The following is an entry in ClinVar:

ClinVar aggregate classification (germline): Likely benign. Review status: criteria provided, multiple submitters, no conflicts (2 of 4 stars). 3 submissions from 3 submitters: Likely benign (3). Last evaluated 2026-03-12.

Conditions:
CDH23-related disorder. Also called: CDH23-related disorders; CDH23-related condition.

Allele frequency attached by ClinVar (database versions not stated): ExAC 0.00001; gnomAD exomes 0.00002 and 0.00003; TOPMed 0.00002; gnomAD 0.00003.
gnomAD v4.1: 13 of 1,613,638 alleles (0.00081%); highest among the groups gnomAD compares: Admixed American, 0.02%; no homozygotes.

Submissions (3):

PreventionGenetics, part of Exact Sciences
Classification: Likely benign for CDH23-related condition. Last evaluated: 2026-03-12. Review status: criteria provided, single submitter. Criteria: ACMG Guidelines, 2015. Collection method: clinical testing. Allele origin: germline.
Comment: This variant is classified as likely benign based on ACMG/AMP sequence variant interpretation guidelines (Richards et al. 2015 PMID: 25741868, with internal and published modifications).

CeGaT Center for Human Genetics Tuebingen
Classification: Likely benign. Last evaluated: 2026-01-01. Review status: criteria provided, single submitter. Criteria: CeGaT Center For Human Genetics Tuebingen Variant Classification Criteria Version 2. Collection method: clinical testing. Allele origin: germline. Affected: yes. Observed: 1 variant allele.
Comment: CDH23: BP4, BP7

Labcorp Genetics (formerly Invitae), Labcorp
Classification: Likely benign. Last evaluated: 2025-04-03. Review status: criteria provided, single submitter. Criteria: Invitae Variant Classification Sherloc (09022015). Collection method: clinical testing. Allele origin: germline.

NM_022124.6(CDH23):c.5706T>C (p.Asn1902=)

Gene: CDH23 (cadherin related 23; plus strand). Cytogenetic location: 10q22.1.
Variant type: single nucleotide variant.
Coding change: c.5706T>C on transcript NM_022124.6 (MANE Select); coding-DNA position 5706, T replaced by C.
Protein change: p.Asn1902=; no amino-acid change (asparagine 1902 retained).
Molecular consequence: synonymous variant.
Genome position (GRCh38, 1-based): chr10:71,785,094, T>C. VCF-style: chr10-71785094-T-C. GRCh37 (hg19) VCF-style: chr10-73544851-T-C.
Other names: c.5706T>C (NM_022124.5).
Identifiers: ClinVar variation 1157554 (VCV001157554.14), dbSNP rs755451021, ClinGen allele CA5545842.